The following is an entry in ClinVar:

ClinVar aggregate classification (germline): Pathogenic (1 of 4 stars; one submission).

Submission:

Labcorp Genetics (formerly Invitae), Labcorp
Classification: Pathogenic. Last evaluated: 2022-02-25. Review status: criteria provided, single submitter. Criteria: Invitae Variant Classification Sherloc (09022015). Collection method: clinical testing. Allele origin: germline.
Comment: This sequence change creates a premature translational stop signal (p.Pro84Metfs*124) in the COQ8A gene. It is expected to result in an absent or disrupted protein product. Loss-of-function variants in COQ8A are known to be pathogenic (PMID: 18319074, 20580948). This variant is present in population databases (rs756503892, gnomAD 0.01%). This variant has not been reported in the literature in individuals affected with COQ8A-related conditions. For these reasons, this variant has been classified as Pathogenic.

Literature cited by the submitters: PubMed 18319074; PubMed 20580948.

NM_020247.5(COQ8A):c.250_253del (p.Pro84fs)

Gene: COQ8A (coenzyme Q8A; plus strand). Cytogenetic location: 1q42.13.
Variant type: Deletion.
Coding change: c.250_253del on transcript NM_020247.5 (MANE Select); coding-DNA positions 250 to 253, 4 bases deleted (CCGC; older notation c.250_253delCCGC).
Protein change: p.Pro84fs; shifts the reading frame from proline 84.
Molecular consequence: frameshift variant.
Genome position (GRCh38, 1-based): chr1:226,965,072-226,965,075, CCGC deleted; deleting any 4 consecutive bases within chr1:226,965,071-226,965,075 gives the same sequence; the c. name uses the placement nearest the transcript's 3' end. VCF-style (leftmost placement, unchanged base first): chr1-226965070-TCCCG-T. GRCh37 (hg19) VCF-style: chr1-227152771-TCCCG-T.
Other names: short protein forms P84fs.
Identifiers: ClinVar variation 1928062 (VCV001928062.5), dbSNP rs756503892, ClinGen allele CA1424970.